The following is an entry in ClinVar:

ClinVar aggregate classification (germline): Uncertain significance. Review status: criteria provided, multiple submitters, no conflicts (2 of 4 stars). 2 submissions from 2 submitters: Uncertain significance (2). Last evaluated 2024-01-19.

Conditions:
Long QT syndrome (LQTS). Identifiers: MedGen C0023976, MeSH D008133, MONDO:0002442. Disease mechanism: loss of function. Inheritance: Various modes of inheritance.

Submissions (2):

Labcorp Genetics (formerly Invitae), Labcorp
Classification: Uncertain significance for Long QT syndrome. Last evaluated: 2024-01-19. Review status: criteria provided, single submitter. Criteria: Invitae Variant Classification Sherloc (09022015). Collection method: clinical testing. Allele origin: germline.
Comment: This variant, c.91_93del, results in the deletion of 1 amino acid(s) of the KCNH2 protein (p.Ile31del), but otherwise preserves the integrity of the reading frame. This variant is not present in population databases (gnomAD no frequency). This variant has been observed in individual(s) with Long QT syndrome (PMID: 24606995). This variant is also known as c.88_90del (p.I30del). ClinVar contains an entry for this variant (Variation ID: 1163289). Experimental studies and prediction algorithms are not available or were not evaluated, and the functional significance of this variant is currently unknown. In summary, the available evidence is currently insufficient to determine the role of this variant in disease. Therefore, it has been classified as a Variant of Uncertain Significance.

Mayo Clinic Laboratories, Mayo Clinic
Classification: Uncertain significance. Last evaluated: 2019-09-02. Review status: criteria provided, single submitter. Criteria: ACMG Guidelines, 2015. Collection method: clinical testing. Allele origin: germline. Observed: 1 variant allele.

Literature cited by the submitters: PubMed 24606995 (cited by Labcorp Genetics (formerly Invitae), Labcorp).

NM_000238.4(KCNH2):c.88ATC[1] (p.Ile31del)

Gene: KCNH2 (potassium voltage-gated channel subfamily H member 2; minus strand). Cytogenetic location: 7q36.1.
Variant type: Microsatellite.
Coding change: c.88ATC[1] on transcript NM_000238.4 (MANE Select); one copy of the 3-base unit ATC starting at c.88; the reference has two copies in a row; one copy, 3 bases deleted.
Protein change: p.Ile31del; deletes isoleucine 31.
Molecular consequence: inframe deletion. On other transcripts: inframe indel (3).
Genome position (GRCh38, 1-based): chr7:150,974,925-150,974,927, GAT deleted on the plus strand (ATC on the coding strand, the reverse complement: KCNH2 is on the minus strand); deleting any 3 consecutive bases within chr7:150,974,925-150,974,932 gives the same sequence; the position shown is the placement nearest the transcript's 3' end. VCF-style (leftmost placement, unchanged base first): chr7-150974924-CGAT-C. GRCh37 (hg19) VCF-style: chr7-150672012-CGAT-C.
Other names: c.86_88TCA[1], p.Ile31del (NM_000238.3, NM_172056.3); c.-92_-90TCA[1] (NM_001406755.1); c.91_93delATC (NM_000238.3); short protein forms I31del.
Identifiers: ClinVar variation 1163289 (VCV001163289.10), dbSNP rs2117063892, ClinGen allele CA2580614283.